The following is an entry in ClinVar:

ClinVar aggregate classification (germline): Uncertain significance (1 of 4 stars; one submission).

Conditions:
Naxos disease (NXD). Also called: KERATOSIS PALMOPLANTARIS WITH ARRHYTHMOGENIC CARDIOMYOPATHY; MAL DE NAXOS; PALMOPLANTAR KERATODERMA WITH ARRHYTHMOGENIC RIGHT VENTRICULAR CARDIOMYOPATHY AND WOOLLY HAIR; WOOLLY HAIR, PALMOPLANTAR KERATODERMA, AND CARDIAC ABNORMALITIES; CARDIOMYOPATHY, ARRHYTHMOGENIC RIGHT VENTRICULAR, WITH SKIN, HAIR, AND NAIL ABNORMALITIES. Identifiers: Orphanet 34217, MedGen C1832600, MONDO:0011017, OMIM 601214.
Arrhythmogenic right ventricular dysplasia 12. Also called: ARRHYTHMOGENIC RIGHT VENTRICULAR DYSPLASIA, FAMILIAL, 12. Identifiers: MedGen C1969081, MONDO:0012684, OMIM 611528.

Submission:

Labcorp Genetics (formerly Invitae), Labcorp
Classification: Uncertain significance for Arrhythmogenic right ventricular dysplasia 12; Naxos disease. Last evaluated: 2025-02-17. Review status: criteria provided, single submitter. Criteria: Invitae Variant Classification Sherloc (09022015). Collection method: clinical testing. Allele origin: germline.
Comment: This sequence change replaces glutamine, which is neutral and polar, with arginine, which is basic and polar, at codon 300 of the JUP protein (p.Gln300Arg). This variant is not present in population databases (gnomAD no frequency). This variant has not been reported in the literature in individuals affected with JUP-related conditions. An algorithm developed to predict the effect of missense changes on protein structure and function (PolyPhen-2) suggests that this variant is likely to be disruptive. In summary, the available evidence is currently insufficient to determine the role of this variant in disease. Therefore, it has been classified as a Variant of Uncertain Significance.

NM_002230.4(JUP):c.899A>G (p.Gln300Arg)

Gene: JUP (junction plakoglobin; minus strand). Cytogenetic location: 17q21.2.
Variant type: single nucleotide variant.
Coding change: c.899A>G on transcript NM_002230.4 (MANE Select); coding-DNA position 899, A replaced by G.
Protein change: p.Gln300Arg; replaces glutamine 300 with arginine.
Molecular consequence: missense variant.
Genome position (GRCh38, 1-based): chr17:41,767,389, T>C on the plus strand (A>G on the coding strand, the complement: JUP is on the minus strand). VCF-style: chr17-41767389-T-C. GRCh37 (hg19) VCF-style: chr17-39923641-T-C.
Other names: c.899A>G, p.Gln300Arg (NM_001352773.2, NM_001352774.2, NM_001352775.2 and 3 more transcripts); short protein forms Q300R.
Identifiers: ClinVar variation 3751648 (VCV003751648.2).
Genomic context (GRCh38, chr17:41,767,389, plus strand): 5'-GATGGCGCAAGGGTGGGCTTCAGGCCTCGGGAGAGTTGGGGAGGGCCCACCTTGCTCTCC[T>C]GGTTGCCGTAGGCCAGGAGCTGCAGGCAGTCGGTGGTGATGGCCAGGAACTTGGGGTTGT-3'
Protein context (NP_002221.1, residues 290-310): DCLQLLAYGN[Gln300Arg]ESKLIILANG